The following is an entry in ClinVar:

NM_000540.3(RYR1):c.10742G>A (p.Gly3581Asp)

Gene: RYR1 (ryanodine receptor 1; plus strand). Cytogenetic location: 19q13.2.
Variant type: single nucleotide variant.
Coding change: c.10742G>A on transcript NM_000540.3 (MANE Select); coding-DNA position 10742, G replaced by A.
Protein change: p.Gly3581Asp; replaces glycine 3581 with aspartic acid.
Molecular consequence: missense variant.
Genome position (GRCh38, 1-based): chr19:38,527,702, G>A. VCF-style: chr19-38527702-G-A. GRCh37 (hg19) VCF-style: chr19-39018342-G-A.
Other names: p.Gly3581Asp; c.10727G>A, p.Gly3576Asp (NM_001042723.2); short protein forms G3576D, G3581D.
Identifiers: ClinVar variation 2160950 (VCV002160950.3), dbSNP rs148130880, ClinGen allele CA308081571.
Genomic context (GRCh38, chr19:38,527,702, plus strand): 5'-TTCAGGTCGAAGGCTCCCCGTCTCTGCGCTGGCAGATGGCTCTGTACCGGGGCGTCCCGG[G>A]TCGCGAGGAGGACGCCGATGACCCCGAGAAAATCGTGCGCAGAGTCCAGGAAGTGTCAGC-3'
Protein context (NP_000531.2, residues 3571-3591): WQMALYRGVP[Gly3581Asp]REEDADDPEK

ClinVar aggregate classification (germline): Uncertain significance. Review status: criteria provided, multiple submitters, no conflicts (2 of 4 stars). 3 submissions from 3 submitters: Uncertain significance (3). Last evaluated 2025-08-08.

Conditions:
RYR1-related disorder. Also called: RYR1-related condition; RYR1-related disorders. Identifiers: MedGen CN239331.

Allele frequency attached by ClinVar (database versions not stated): gnomAD exomes below 0.00001; gnomAD 0.00002; TOPMed 0.00004; ESP Exome Variant Server 0.00008.
gnomAD v4.1: 4 of 1,614,050 alleles (0.00025%); highest among the groups gnomAD compares: African/African-American, 0.004%; no homozygotes.

Submissions (3):

Mayo Clinic Laboratories, Mayo Clinic
Classification: Uncertain significance. Last evaluated: 2025-08-08. Review status: criteria provided, single submitter. Criteria: ACMG Guidelines, 2015. Collection method: clinical testing. Allele origin: germline. Observed: 1 variant allele.

Women's Health and Genetics/Laboratory Corporation of America, LabCorp
Classification: Uncertain significance. Last evaluated: 2025-05-13. Review status: criteria provided, single submitter. Criteria: LabCorp Variant Classification Summary - May 2015. Collection method: clinical testing. Allele origin: germline.
Comment: Variant summary: RYR1 c.10742G>A (p.Gly3581Asp) results in a non-conservative amino acid change in the encoded protein sequence. Algorithms developed to predict the effect of missense changes on protein structure and function all suggest that this variant is likely to be disruptive. The variant allele was found at a frequency of 4e-06 in 251150 control chromosomes. The available data on variant occurrences in the general population are insufficient to allow any conclusion about variant significance. To our knowledge, no occurrence of c.10742G>A in individuals affected with Congenital multicore myopathy with external ophthalmoplegia and no experimental evidence demonstrating its impact on protein function have been reported. ClinVar contains an entry for this variant (Variation ID: 2160950). Based on the evidence outlined above, the variant was classified as uncertain significance.

Labcorp Genetics (formerly Invitae), Labcorp
Classification: Uncertain significance for RYR1-related disorder. Last evaluated: 2022-07-04. Review status: criteria provided, single submitter. Criteria: Invitae Variant Classification Sherloc (09022015). Collection method: clinical testing. Allele origin: germline.
Comment: This sequence change replaces glycine, which is neutral and non-polar, with aspartic acid, which is acidic and polar, at codon 3581 of the RYR1 protein (p.Gly3581Asp). This variant is present in population databases (rs148130880, gnomAD 0.008%). This variant has not been reported in the literature in individuals affected with RYR1-related conditions. Advanced modeling of protein sequence and biophysical properties (such as structural, functional, and spatial information, amino acid conservation, physicochemical variation, residue mobility, and thermodynamic stability) performed at Invitae indicates that this missense variant is not expected to disrupt RYR1 protein function. In summary, the available evidence is currently insufficient to determine the role of this variant in disease. Therefore, it has been classified as a Variant of Uncertain Significance.